The following is an entry in ClinVar:

ClinVar aggregate classification (germline): Pathogenic. Review status: reviewed by expert panel (3 of 4 stars). 8 submissions from 8 submitters: Pathogenic (1). 7 of the submissions do not count toward it. Last evaluated 2018-08-31.

Conditions:
Bronchiectasis with or without elevated sweat chloride 1 (BESC1). Also called: Cystic Fibrosis-Like Syndrome. Identifiers: Orphanet 60033, MedGen C2749757, MONDO:0008887, OMIM 211400.
Cystic fibrosis (CF). Also called: MUCOVISCIDOSIS. Identifiers: Orphanet 586, MedGen C0010674, MONDO:0009061, OMIM 219700. Disease mechanism: loss of function.
CFTR-related disorder (CFTR-RD). Also called: CFTR-related condition; CFTR-related disorders. Identifiers: MedGen C5924204, MONDO:7770004.

Allele frequency attached by ClinVar (database versions not stated): TOPMed below 0.00001.

Submissions (8):

CFTR2
Classification: Pathogenic for Cystic fibrosis. Last evaluated: 2018-08-31. Review status: reviewed by expert panel. Criteria: Sosnay PR et al. (Nat Genet 2013). Collection method: research. Allele origin: germline. Affected: yes.

Labcorp Genetics (formerly Invitae), Labcorp
Classification: Pathogenic for Cystic fibrosis. Last evaluated: 2025-11-09. Review status: criteria provided, single submitter. Criteria: Invitae Variant Classification Sherloc (09022015). Collection method: clinical testing. Allele origin: germline. Not counted in ClinVar's aggregate classification.
Comment: This sequence change replaces leucine, which is neutral and non-polar, with proline, which is neutral and non-polar, at codon 15 of the CFTR protein (p.Leu15Pro). This variant is not present in population databases (gnomAD no frequency). This missense change has been observed in individuals with clinical features of CFTR-related disease (PMID: 20100616, 23687349, 28736296, 30763667; internal data). ClinVar contains an entry for this variant (Variation ID: 634833). Invitae Evidence Modeling of protein sequence and biophysical properties (such as structural, functional, and spatial information, amino acid conservation, physicochemical variation, residue mobility, and thermodynamic stability) indicates that this missense variant is expected to disrupt CFTR protein function with a positive predictive value of 80%. Experimental studies have shown that this missense change affects CFTR function (PMID: 20351098). For these reasons, this variant has been classified as Pathogenic.

Natera, Inc.
Classification: Pathogenic for CFTR-related disorders. Last evaluated: 2025-08-20. Review status: criteria provided, single submitter. Criteria: Natera Variant Classification Schema (03/2026). Collection method: clinical testing. Allele origin: germline. Not counted in ClinVar's aggregate classification.
Comment: The c.44T>C variant in CFTR is a missense variant predicted to cause substitution of leucine to proline at amino acid 15. This variant is rare in the general population with a frequency below the threshold expected for the associated phenotype(s). This variant has been observed in one or more individuals affected with the associated recessive disease, as either homozygous or compound heterozygous with a second variant (PMID: 23687349). Functional studies show that this variant may disrupt protein function (PMID: 38388235). Computational prediction algorithms indicate this variant is likely to affect gene or protein function. Given the available evidence, this variant is classified as Pathogenic.

Women's Health and Genetics/Laboratory Corporation of America, LabCorp
Classification: Pathogenic for Cystic fibrosis. Last evaluated: 2024-07-11. Review status: criteria provided, single submitter. Criteria: LabCorp Variant Classification Summary - May 2015. Collection method: clinical testing. Allele origin: germline. Not counted in ClinVar's aggregate classification.
Comment: Variant summary: CFTR c.44T>C (p.Leu15Pro) results in a non-conservative amino acid change in the encoded protein sequence. Four of five in-silico tools predict a damaging effect of the variant on protein function. The variant was absent in 250742 control chromosomes. c.44T>C has been reported in the literature in multiple individuals affected with Cystic Fibrosis (Ruiz-Cabezas_2019, Lucarelli_2017, Trujillano_2013). These data indicate that the variant is very likely to be associated with disease. The following publications have been ascertained in the context of this evaluation (PMID: 28736296, 30763667, 23687349). ClinVar contains an entry for this variant (Variation ID: 634833). Based on the evidence outlined above, the variant was classified as pathogenic.

Mayo Clinic Laboratories, Mayo Clinic
Classification: Pathogenic. Last evaluated: 2024-05-22. Review status: criteria provided, single submitter. Criteria: ACMG Guidelines, 2015. Collection method: clinical testing. Allele origin: germline. Observed: 1 variant allele. Not counted in ClinVar's aggregate classification.
Comment: PP3, PM2, PM3_strong, PS3

Baylor Genetics
Classification: Pathogenic for Bronchiectasis with or without elevated sweat chloride 1. Last evaluated: 2024-02-19. Review status: criteria provided, single submitter. Criteria: ACMG Guidelines, 2015. Collection method: clinical testing. Allele origin: unknown. Not counted in ClinVar's aggregate classification.

Ambry Genetics
Classification: Pathogenic for Cystic fibrosis. Last evaluated: 2023-05-27. Review status: criteria provided, single submitter. Criteria: Ambry Variant Classification Scheme 2023. Collection method: clinical testing. Allele origin: germline. Not counted in ClinVar's aggregate classification.
Comment: The p.L15P pathogenic mutation (also known as c.44T>C), located in coding exon 1 of the CFTR gene, results from a T to C substitution at nucleotide position 44. The leucine at codon 15 is replaced by proline, an amino acid with similar properties. This alteration has been identified in multiple individuals with a clinical diagnosis of cystic fibrosis (CF) (Trujillano D et al. J Med Genet, 2013 Jul;50:455-62; Ruiz-Cabezas JC et al. Gene, 2019 May;696:28-32; Rueda-Nieto S et al. Orphanet J Rare Dis, 2022 Jun;17:222). This variant has <10% of wild type function in The Clinical and Functional TRanslation of CFTR (CFTR2) database (available at CFTR2. Accessed 05/26/2023). This amino acid position is highly conserved in available vertebrate species. In addition, this alteration is predicted to be deleterious by in silico analysis. This variant is considered to be rare based on population cohorts in the Genome Aggregation Database (gnomAD). Based on the supporting evidence, this alteration is interpreted as a disease-causing mutation.

ARUP Laboratories, Molecular Genetics and Genomics, ARUP Laboratories
Classification: Likely pathogenic. Last evaluated: 2018-07-29. Review status: criteria provided, single submitter. Criteria: ARUP Molecular Germline Variant Investigation Process. Collection method: clinical testing. Allele origin: germline. Not counted in ClinVar's aggregate classification.
Comment: The CFTR c.44T>C; p.Leu15Pro variant is reported in the literature in several individuals affected with cystic fibrosis (Lucarelli 2017, Trujillano 2013, SickKids CFTR database) and one individual with congenital bilateral absence of the vas deferens (Havasi 2010). In two instances, the p.Leu15Pro variant has been documented in cystic fibrosis-affected individuals carrying an additional pathogenic CFTR variant (Trujillano 2013, SickKids CFTR database). The p.Leu15Pro variant is absent from general population databases (1000 Genomes Project, Exome Variant Server, and Genome Aggregation Database), indicating it is not a common polymorphism. The leucine at codon 15 is moderately conserved, but computational analyses (SIFT:damaging, PolyPhen-2:benign) predict conflicting effects of this variant on protein structure/function. The p.Leu15Pro variant and several nearby pathogenic missense variants occur in an N-terminal region required for binding Filamin A, an interaction that promotes CFTR stability and trafficking to the plasma membrane (Playford 2010, Thelin 2007). Computational modeling predicts that this variant disrupts the structure of the CFTR-Filamin A binding interface (Playford 2010), and a CFTR N-terminal p.Leu15Pro variant peptide fails to pull down detectable Filamin A (Playford 2010), suggesting the p.Leu15Pro variant protein may be unstable or improperly localized within the cell. Based on available information, this variant is considered to be likely pathogenic. References: SickKids CFTR database: Havasi V et al. Fertil Steril. Association of cystic fibrosis genetic modifiers with congenital bilateral absence of the vas deferens. 2010 Nov;94(6):2122-7. Lucarelli M et al. A New Targeted CFTR Mutation Panel Based on Next-Generation Sequencing Technology. J Mol Diagn. 2017 Sep;19(5):788-800. Playford MP et al. Cystic fibrosis transmembrane conductance regulator interacts with multiple immunoglobulin domains of filamin A. J Biol Chem. 2010 May 28;285(22):17156-65. Thelin WR et al. Direct interaction with filamins modulates the stability and plasma membrane expression of CFTR. J Clin Invest. 2007 Feb;117(2):364-74. Trujillano D et al. Next generation diagnostics of cystic fibrosis and CFTR-related disorders by targeted multiplex high-coverage resequencing of CFTR. J Med Genet. 2013 Jul;50(7):455-62.

Literature cited by the submitters: PubMed 20100616 (cited by Labcorp Genetics (formerly Invitae), Labcorp and Mayo Clinic Laboratories, Mayo Clinic); PubMed 23687349 (cited by 5 submitters); PubMed 28736296 (cited by 3 submitters); PubMed 30763667 (cited by 4 submitters); PubMed 20351098 (cited by 3 submitters); PubMed 38388235 (cited by Natera, Inc. and Mayo Clinic Laboratories, Mayo Clinic); PubMed 35698092 (cited by Mayo Clinic Laboratories, Mayo Clinic and Ambry Genetics); PubMed 35934641 (cited by Mayo Clinic Laboratories, Mayo Clinic).

NM_000492.4(CFTR):c.44T>C (p.Leu15Pro)

Gene: CFTR (CF transmembrane conductance regulator; plus strand). Cytogenetic location: 7q31.2.
Variant type: single nucleotide variant.
Coding change: c.44T>C on transcript NM_000492.4 (MANE Select); coding-DNA position 44, T replaced by C.
Protein change: p.Leu15Pro; replaces leucine 15 with proline.
Molecular consequence: missense variant.
Genome position (GRCh38, 1-based): chr7:117,480,138, T>C. VCF-style: chr7-117480138-T-C. GRCh37 (hg19) VCF-style: chr7-117120192-T-C.
Other names: short protein forms L15P.
Identifiers: ClinVar variation 634833 (VCV000634833.24), dbSNP rs1562876459, ClinGen allele CA368981338.